The following is an entry in ClinVar:

NM_000138.5(FBN1):c.3981A>C (p.Glu1327Asp)

Gene: FBN1 (fibrillin 1; minus strand). Cytogenetic location: 15q21.1.
Variant type: single nucleotide variant.
Coding change: c.3981A>C on transcript NM_000138.5 (MANE Select); coding-DNA position 3981, A replaced by C.
Protein change: p.Glu1327Asp; replaces glutamic acid 1327 with aspartic acid.
Molecular consequence: missense variant.
Genome position (GRCh38, 1-based): chr15:48,474,634, T>G on the plus strand (A>C on the coding strand, the complement: FBN1 is on the minus strand). VCF-style: chr15-48474634-T-G. GRCh37 (hg19) VCF-style: chr15-48766831-T-G.
Other names: c.3981A>C, p.Glu1327Asp (NM_001406716.1); short protein forms E1327D.
Identifiers: ClinVar variation 2572595 (VCV002572595.1), dbSNP rs2505518951, ClinGen allele CA392320631.

ClinVar aggregate classification (germline): Uncertain significance (1 of 4 stars; one submission).

Conditions:
Progeroid and marfanoid aspect-lipodystrophy syndrome. Also called: MARFANOID-PROGEROID SYNDROME; MARFAN-PROGEROID-LIPODYSTROPHY SYNDROME; Marfan lipodystrophy syndrome; MARFANOID-PROGEROID-LIPODYSTROPHY SYNDROME. Identifiers: Orphanet 300382, MedGen C4310796, MONDO:0014831, OMIM 616914.

Submission:

3billion
Classification: Uncertain significance for Progeroid and marfanoid aspect-lipodystrophy syndrome. Review status: criteria provided, single submitter. Criteria: ACMG Guidelines, 2015. Collection method: clinical testing. Allele origin: unknown. Affected: yes. Observed: 1 heterozygote.
Comment: The variant is not observed in the gnomAD v2.1.1 dataset. The variant is located in a mutational hot spot and/or well-established functional domain in which established pathogenic variants have been reported. In silico tool predictions suggest damaging effect of the variant on gene or gene product (REVEL: 0.60; 3Cnet: 0.99). However, the evidence of pathogenicity is insufficient at this time. Therefore, this variant is classified as Uncertain significance according to the recommendation of ACMG/AMP guideline.